The following is an entry in ClinVar:

ClinVar aggregate classification (germline): Benign/Likely benign. Review status: criteria provided, multiple submitters, no conflicts (2 of 4 stars). 8 submissions from 8 submitters: Benign (5); Likely benign (3). Last evaluated 2026-02-04.

Conditions:
Bartter disease type 2. Also called: HYPOKALEMIC ALKALOSIS WITH HYPERCALCIURIA 2, ANTENATAL; Bartter syndrome, type 2, antenatal; HYPERPROSTAGLANDIN E SYNDROME 2. Identifiers: Orphanet 112, Orphanet 620220, MedGen C1855849, MONDO:0009424, OMIM 241200.

Allele frequency attached by ClinVar (database versions not stated): 1000 Genomes Project 30x 0.00250; gnomAD 0.00576 and 0.00585; ExAC 0.00611; ESP Exome Variant Server 0.00616; gnomAD exomes 0.00622 and 0.00846; 1000 Genomes Project 0.00240.
gnomAD v4.1: 13,185 of 1,614,078 alleles (0.82%); highest among the groups gnomAD compares: Middle Eastern, 1.5%; 65 homozygotes.

Submissions (8):

Labcorp Genetics (formerly Invitae), Labcorp
Classification: Benign. Last evaluated: 2026-02-04. Review status: criteria provided, single submitter. Criteria: Invitae Variant Classification Sherloc (09022015). Collection method: clinical testing. Allele origin: germline.

CeGaT Center for Human Genetics Tuebingen
Classification: Likely benign. Last evaluated: 2025-09-01. Review status: criteria provided, single submitter. Criteria: CeGaT Center For Human Genetics Tuebingen Variant Classification Criteria Version 2. Collection method: clinical testing. Allele origin: germline. Affected: yes. Observed: 4 variant alleles.
Comment: KCNJ1: BP4, BP7, BS2

Blueprint Genetics
Classification: Likely benign. Last evaluated: 2024-11-26. Review status: criteria provided, single submitter. Criteria: ACMG Guidelines, 2015. Collection method: clinical testing. Allele origin: germline.

Athena Diagnostics
Classification: Benign. Last evaluated: 2024-02-01. Review status: criteria provided, single submitter. Criteria: Athena Diagnostics Criteria. Collection method: clinical testing. Allele origin: unknown.

Mayo Clinic Laboratories, Mayo Clinic
Classification: Benign. Last evaluated: 2023-10-09. Review status: criteria provided, single submitter. Criteria: ACMG Guidelines, 2015. Collection method: clinical testing. Allele origin: germline. Observed: 5 variant alleles.
Comment: BS1, BS2, BP4, BP7

Fulgent Genetics
Classification: Benign for Bartter disease type 2. Last evaluated: 2021-07-22. Review status: criteria provided, single submitter. Criteria: ACMG Guidelines, 2015. Collection method: clinical testing. Allele origin: unknown.

GeneDx
Classification: Benign. Last evaluated: 2021-04-21. Review status: criteria provided, single submitter. Criteria: GeneDx Variant Classification Process June 2021. Collection method: clinical testing. Allele origin: germline. Affected: yes.

Breakthrough Genomics
Classification: Likely benign. Review status: criteria provided, single submitter. Criteria: ACMG Guidelines, 2015. Collection method: not provided. Allele origin: germline. Inheritance: Autosomal recessive inheritance. Affected: yes.

NM_153766.3(KCNJ1):c.252G>A (p.Ala84=)

Gene: KCNJ1 (potassium inwardly rectifying channel subfamily J member 1; minus strand). Cytogenetic location: 11q24.3.
Variant type: single nucleotide variant.
Coding change: c.252G>A on transcript NM_153766.3 (MANE Select); coding-DNA position 252, G replaced by A.
Protein change: p.Ala84=; no amino-acid change (alanine 84 retained).
Molecular consequence: synonymous variant.
Genome position (GRCh38, 1-based): chr11:128,839,992, C>T on the plus strand (G>A on the coding strand, the complement: KCNJ1 is on the minus strand). VCF-style: chr11-128839992-C-T. GRCh37 (hg19) VCF-style: chr11-128709887-C-T.
Other names: p.Ala103=; c.309G>A (NM_000220.5, NM_000220.2); c.309G>A, p.Ala103= (NM_000220.6); c.252G>A, p.Ala84= (NM_153764.3, NM_153767.4); c.303G>A, p.Ala101= (NM_153765.3).
Identifiers: ClinVar variation 790366 (VCV000790366.49), dbSNP rs149563706, ClinGen allele CA6357548.
Genomic context (GRCh38, chr11:128,839,992, plus strand): 5'-CTCCACACAGGGAGTGTGATTGGCAGAAGGATGGAATTCCGGGAGGTCTTTGTGAATGTA[C>T]GCTACTGCATACCACAGGAGACCAAAGAAAAACCAACTCCCCAAGAAGGCTGTGATGAAA-3'
Protein context (NP_722450.1, residues 74-94): FFFGLLWYAV[Ala84=]YIHKDLPEFH